The following is an entry in ClinVar:

ClinVar aggregate classification (germline): Pathogenic (1 of 4 stars; one submission).

Conditions:
COQ8A-related disorder. Also called: COQ8A-related condition.

Submission:

PreventionGenetics, part of Exact Sciences
Classification: Pathogenic for COQ8A-related condition. Last evaluated: 2023-08-02. Review status: criteria provided, single submitter. Criteria: ACMG Guidelines, 2015. Collection method: clinical testing. Allele origin: germline.
Comment: The COQ8A c.1085delC variant is predicted to result in a frameshift and premature protein termination (p.Pro362Leufs*18). To our knowledge, this variant has not been reported in the literature or in a large population database, indicating this variant is rare. Frameshift variants in COQ8A are expected to be pathogenic. This variant is interpreted as pathogenic.

NM_020247.5(COQ8A):c.1085del (p.Pro362fs)

Gene: COQ8A (coenzyme Q8A; plus strand). Cytogenetic location: 1q42.13.
Variant type: Deletion.
Coding change: c.1085del on transcript NM_020247.5 (MANE Select); coding-DNA position 1085, one base deleted (C; older notation c.1085delC).
Protein change: p.Pro362fs; shifts the reading frame from proline 362.
Molecular consequence: frameshift variant.
Genome position (GRCh38, 1-based): chr1:226,983,556, C deleted; the last of 3 consecutive C bases (chr1:226,983,554-226,983,556); deleting any one gives the same sequence. VCF-style (leftmost placement, unchanged base first): chr1-226983553-AC-A. GRCh37 (hg19) VCF-style: chr1-227171254-AC-A.
Other names: short protein forms P362fs.
Identifiers: ClinVar variation 2631386 (VCV002631386.1), dbSNP rs1473126291, ClinGen allele CA732365169.